The following is an entry in ClinVar:

ClinVar aggregate classification (germline): Conflicting classifications of pathogenicity. Review status: criteria provided, conflicting classifications (1 of 4 stars). 5 submissions from 5 submitters: Uncertain significance (3); Likely benign (2). Last evaluated 2026-06-30.

Conditions:
Primary familial hypertrophic cardiomyopathy (HCM). Identifiers: Orphanet 99739, MedGen C0949658, MeSH D024741, MONDO:0024573. Inheritance: Various modes of inheritance.
Dilated cardiomyopathy 1AA (CMD1AA). Also called: Cardiomyopathy, dilated, 1AA, with or without LVNC; CARDIOMYOPATHY, DILATED, 1AA, WITH OR WITHOUT LEFT VENTRICULAR NONCOMPACTION; CARDIOMYOPATHY, FAMILIAL HYPERTROPHIC, 23, WITH OR WITHOUT LEFT VENTRICULAR NONCOMPACTION. Identifiers: Orphanet 154, MedGen C2677338, MONDO:0012808, OMIM 612158.
Cardiovascular phenotype. Identifiers: MedGen CN230736.
Cardiomyopathy (CMYO). Also called: Cardiomyopathies. Identifiers: Orphanet 167848, MedGen C0878544, MONDO:0004994, HP:0001638. Inheritance: Various modes of inheritance.

Allele frequency attached by ClinVar (database versions not stated): TOPMed 0.00002; gnomAD 0.00001; ExAC 0.00002; gnomAD exomes 0.00002.
gnomAD v4.1: 24 of 1,614,082 alleles (0.0015%); highest among the groups gnomAD compares: Non-Finnish European, 0.0019%; no homozygotes.

Submissions (5):

Women's Health and Genetics/Laboratory Corporation of America, LabCorp
Classification: Likely benign. Last evaluated: 2026-06-30. Review status: criteria provided, single submitter. Criteria: LabCorp Variant Classification Summary - May 2015. Collection method: clinical testing. Allele origin: germline.
Comment: Variant summary: ACTN2 c.1325G>A (p.Arg442Gln) results in a conservative amino acid change in the encoded protein sequence. Algorithms developed to predict the effect of missense changes on protein structure and function are either unavailable or do not agree on the potential impact of this missense change. The variant allele was found at a frequency of 1.5e-05 in 1614082 control chromosomes, predominantly at a frequency of 1.9e-05 within the Non-Finnish European subpopulation in the gnomAD database. This includes multiple older individuals, suggesting the variant is a benign polymorphism. c.1325G>A has been observed in an individual(s) affected with dilated cardiomyopathy (Sadasivan_2025). These report(s) do not provide unequivocal conclusions about association of the variant with disease. To our knowledge, no experimental evidence demonstrating an impact on protein function has been reported. The following publication has been ascertained in the context of this evaluation (PMID: 39740200). ClinVar contains an entry for this variant (Variation ID: 574214). Based on the evidence outlined above, the variant was classified as likely benign.

Labcorp Genetics (formerly Invitae), Labcorp
Classification: Likely benign for Primary familial hypertrophic cardiomyopathy; Dilated cardiomyopathy 1AA. Last evaluated: 2025-09-03. Review status: criteria provided, single submitter. Criteria: Invitae Variant Classification Sherloc (09022015). Collection method: clinical testing. Allele origin: germline.

GeneDx
Classification: Uncertain significance. Last evaluated: 2021-05-24. Review status: criteria provided, single submitter. Criteria: GeneDx Variant Classification Process June 2021. Collection method: clinical testing. Allele origin: germline. Affected: yes.
Comment: Has not been previously published as pathogenic or benign to our knowledge; Not observed at significant frequency in large population cohorts (Lek et al., 2016); Reported in ClinVar but additional evidence is not available (ClinVar Variant ID# 574214; Landrum et al., 2016); In silico analysis, which includes protein predictors and evolutionary conservation, supports that this variant does not alter protein structure/function

Ambry Genetics
Classification: Uncertain significance for Cardiovascular phenotype. Last evaluated: 2021-05-11. Review status: criteria provided, single submitter. Criteria: Ambry Variant Classification Scheme 2023. Collection method: clinical testing. Allele origin: germline.
Comment: The p.R442Q variant (also known as c.1325G>A), located in coding exon 12 of the ACTN2 gene, results from a G to A substitution at nucleotide position 1325. The arginine at codon 442 is replaced by glutamine, an amino acid with highly similar properties. This amino acid position is highly conserved in available vertebrate species. In addition, the in silico prediction for this alteration is inconclusive. Since supporting evidence is limited at this time, the clinical significance of this alteration remains unclear.

CHEO Genetics Diagnostic Laboratory, Children's Hospital of Eastern Ontario
Classification: Uncertain significance for Cardiomyopathy. Last evaluated: 2018-09-12. Review status: criteria provided, single submitter. Criteria: ACMG Guidelines, 2015. Collection method: clinical testing. Allele origin: germline.

Literature cited by the submitters: PubMed 39740200 (cited by Women's Health and Genetics/Laboratory Corporation of America, LabCorp).

NM_001103.4(ACTN2):c.1325G>A (p.Arg442Gln)

Gene: ACTN2 (actinin alpha 2; plus strand). Cytogenetic location: 1q43.
Variant type: single nucleotide variant.
Coding change: c.1325G>A on transcript NM_001103.4 (MANE Select); coding-DNA position 1325, G replaced by A.
Protein change: p.Arg442Gln; replaces arginine 442 with glutamine.
Molecular consequence: missense variant.
Genome position (GRCh38, 1-based): chr1:236,744,695, G>A. VCF-style: chr1-236744695-G-A. GRCh37 (hg19) VCF-style: chr1-236907995-G-A.
Other names: c.1325G>A, p.Arg442Gln (NM_001278343.2); c.701G>A, p.Arg234Gln (NM_001278344.2); short protein forms R442Q, R234Q.
Identifiers: ClinVar variation 574214 (VCV000574214.18), dbSNP rs776947613, ClinGen allele CA1473120.
Genomic context (GRCh38, chr1:236,744,695, plus strand): 5'-AGATCTTGCTGCAGAAGGATTACGAGTCGGCGTCGCTGACAGAGGTGCGGGCTCTGCTGC[G>A]GAAGCACGAGGCGTTCGAGAGCGACCTGGCAGCGCACCAGGACCGCGTGGAGCAGATCGC-3'
Protein context (NP_001094.1, residues 432-452): ASLTEVRALL[Arg442Gln]KHEAFESDLA